The following is an entry in ClinVar:

ClinVar aggregate classification (germline): Likely pathogenic (1 of 4 stars; one submission).

Conditions:
TCF12-related craniosynostosis. Also called: Craniosynostosis 3. Identifiers: Orphanet 35098, Orphanet 35099, Orphanet 672979, MedGen C3715051, MONDO:0014128, OMIM 615314.

Submission:

3billion
Classification: Likely pathogenic for TCF12-related craniosynostosis. Last evaluated: 2022-09-01. Review status: criteria provided, single submitter. Criteria: ACMG Guidelines, 2015. Collection method: clinical testing. Allele origin: germline. Affected: yes. Observed: 1 heterozygote.
Comment: The variant is not observed in the gnomAD v2.1.1 dataset. It is predicted to alter splicing, resulting in a loss or disruption of normal protein function. Multiple pathogenic loss-of-function variants are reported downstream of the variant. Therefore, this variant is classified as Likely pathogenic according to the recommendation of ACMG/AMP guideline.

NM_207037.2(TCF12):c.325+2T>C

Gene: TCF12 (transcription factor 12; plus strand). Cytogenetic location: 15q21.3.
Variant type: single nucleotide variant.
Coding change: c.325+2T>C on transcript NM_207037.2 (MANE Select); the canonical splice donor site of the intron after coding-DNA position 325, T replaced by C.
Molecular consequence: splice donor variant.
Genome position (GRCh38, 1-based): chr15:57,091,893, T>C. VCF-style: chr15-57091893-T-C. GRCh37 (hg19) VCF-style: chr15-57384091-T-C.
Other names: c.325+2T>C (NM_001322151.2, NM_001322159.3, NM_001322157.3 and 7 more transcripts); c.151+2T>C (NM_001322156.2, NM_001322158.2); c.-328+2T>C (NM_001322154.2); c.361+2T>C (NM_001322164.2).
Identifiers: ClinVar variation 1705297 (VCV001705297.1), dbSNP rs2551084305, ClinGen allele CA392787817.